The following is an entry in ClinVar:

NM_001042472.3(ABHD12):c.275T>C (p.Leu92Pro)

Gene: ABHD12 (abhydrolase domain containing 12, lysophospholipase; minus strand). Cytogenetic location: 20p11.21.
Variant type: single nucleotide variant.
Coding change: c.275T>C on transcript NM_001042472.3 (MANE Select); coding-DNA position 275, T replaced by C.
Protein change: p.Leu92Pro; replaces leucine 92 with proline.
Molecular consequence: missense variant.
Genome position (GRCh38, 1-based): chr20:25,339,268, A>G on the plus strand (T>C on the coding strand, the complement: ABHD12 is on the minus strand). VCF-style: chr20-25339268-A-G. GRCh37 (hg19) VCF-style: chr20-25319904-A-G.
Other names: c.275T>C, p.Leu92Pro (NM_015600.5); short protein forms L92P.
Identifiers: ClinVar variation 1485625 (VCV001485625.8), dbSNP rs2089421915, ClinGen allele CA408445699.

ClinVar aggregate classification (germline): Uncertain significance (1 of 4 stars; one submission).

Allele frequency attached by ClinVar (database versions not stated): gnomAD 0.00001.
gnomAD v4.1: 1 of 1,614,092 alleles (0.000062%); highest among the groups gnomAD compares: African/African-American, 0.0013%; no homozygotes.

Submission:

Labcorp Genetics (formerly Invitae), Labcorp
Classification: Uncertain significance. Last evaluated: 2022-02-08. Review status: criteria provided, single submitter. Criteria: Invitae Variant Classification Sherloc (09022015). Collection method: clinical testing. Allele origin: germline.
Comment: In summary, the available evidence is currently insufficient to determine the role of this variant in disease. Therefore, it has been classified as a Variant of Uncertain Significance. This sequence change replaces leucine, which is neutral and non-polar, with proline, which is neutral and non-polar, at codon 92 of the ABHD12 protein (p.Leu92Pro). This variant is not present in population databases (gnomAD no frequency). This variant has not been reported in the literature in individuals affected with ABHD12-related conditions. Algorithms developed to predict the effect of missense changes on protein structure and function are either unavailable or do not agree on the potential impact of this missense change (SIFT: "Tolerated"; PolyPhen-2: "Possibly Damaging"; Align-GVGD: "Class C0").